The following is an entry in ClinVar:

NM_018646.6(TRPV6):c.1570A>T (p.Lys524Ter)

Gene: TRPV6 (transient receptor potential cation channel subfamily V member 6; minus strand). Cytogenetic location: 7q34.
Variant type: single nucleotide variant.
Coding change: c.1570A>T on transcript NM_018646.6 (MANE Select); coding-DNA position 1570, A replaced by T.
Protein change: p.Lys524Ter; replaces lysine 524 with a stop codon.
Molecular consequence: nonsense.
Genome position (GRCh38, 1-based): chr7:142,874,493, T>A on the plus strand (A>T on the coding strand, the complement: TRPV6 is on the minus strand). VCF-style: chr7-142874493-T-A. GRCh37 (hg19) VCF-style: chr7-142572246-T-A.
Other names: short protein forms K524*.
Identifiers: ClinVar variation 4294456 (VCV004294456.1).
Genomic context (GRCh38, chr7:142,874,493, plus strand): 5'-CCGTCTGCTGACTGTGGCTCTGGGGCCTTTCTCTAGGGAGCTTGGGGGGAGGACTGACCT[T>A]CTGAATCATGATGGTGAAGGGGCCTAGCATCTGGAATCCTCGGGCGAAGTACATGACGTT-3'

ClinVar aggregate classification (germline): Likely pathogenic (1 of 4 stars; one submission).

Conditions:
Hyperparathyroidism, transient neonatal. Identifiers: MedGen C1300287, MONDO:0032591, OMIM 618188.

Submission:

Molecular Genetics Department, Kulakov National Medical Research Center for Obstetrics, Gynecology and Perinatology
Classification: Likely pathogenic for Hyperparathyroidism, transient neonatal. Review status: criteria provided, single submitter. Criteria: ACMG Guidelines, 2015. Collection method: clinical testing. Allele origin: germline. Affected: yes. Observed: 1 variant allele.
Comment: A previously undescribed homozygous nucleotide variant creates a premature translation stop signal p.Lys524Ter in the TRPV6 gene. Homozygous and compound heterozygous variants are reported in patients with hyperparathyroidism, transient neonatal, 618188. The variant is not present in population database (gnomAD no frequency). In summary, the currently available evidence indicates that the variant is pathogenic, but additional data are needed to prove that conclusively. Therefore, this variant has been classified as likely pathogenic.